The following is an entry in ClinVar:

NM_000260.4(MYO7A):c.2462A>G (p.Gln821Arg)

Gene: MYO7A (myosin VIIA; plus strand). Cytogenetic location: 11q13.5.
Variant type: single nucleotide variant.
Coding change: c.2462A>G on transcript NM_000260.4 (MANE Select); coding-DNA position 2462, A replaced by G.
Protein change: p.Gln821Arg; replaces glutamine 821 with arginine.
Molecular consequence: missense variant.
Genome position (GRCh38, 1-based): chr11:77,179,829, A>G. VCF-style: chr11-77179829-A-G. GRCh37 (hg19) VCF-style: chr11-76890875-A-G.
Other names: c.2462A>G, p.Gln821Arg (NM_001127180.2); c.2429A>G, p.Gln810Arg (NM_001369365.1); short protein forms Q810R, Q821R.
Identifiers: ClinVar variation 2499879 (VCV002499879.1), dbSNP rs1555082743, ClinGen allele CA381941698.

ClinVar aggregate classification (germline): Uncertain significance (1 of 4 stars; one submission).

Submission:

GeneDx
Classification: Uncertain significance. Last evaluated: 2022-10-18. Review status: criteria provided, single submitter. Criteria: GeneDx Variant Classification Process June 2021. Collection method: clinical testing. Allele origin: germline. Affected: yes.
Comment: Not observed at significant frequency in large population cohorts (gnomAD); In silico analysis supports that this missense variant has a deleterious effect on protein structure/function; Has not been previously published as pathogenic or benign to our knowledge